The following is an entry in ClinVar:

NM_024642.5(GALNT12):c.245T>A (p.Val82Glu)

Gene: GALNT12 (polypeptide N-acetylgalactosaminyltransferase 12; plus strand). Cytogenetic location: 9q22.33.
Variant type: single nucleotide variant.
Coding change: c.245T>A on transcript NM_024642.5 (MANE Select); coding-DNA position 245, T replaced by A.
Protein change: p.Val82Glu; replaces valine 82 with glutamic acid.
Molecular consequence: missense variant.
Genome position (GRCh38, 1-based): chr9:98,807,943, T>A. VCF-style: chr9-98807943-T-A. GRCh37 (hg19) VCF-style: chr9-101570225-T-A.
Other names: short protein forms V82E.
Identifiers: ClinVar variation 3518471 (VCV003518471.1).

ClinVar aggregate classification (germline): Uncertain significance (1 of 4 stars; one submission).

Submission:

Ambry Genetics
Classification: Uncertain significance. Last evaluated: 2024-10-13. Review status: criteria provided, single submitter. Criteria: Ambry Variant Classification Scheme 2023. Collection method: clinical testing. Allele origin: germline.
Comment: The p.V82E variant (also known as c.245T>A), located in coding exon 1 of the GALNT12 gene, results from a T to A substitution at nucleotide position 245. The valine at codon 82 is replaced by glutamic acid, an amino acid with dissimilar properties. This amino acid position is conserved. In addition, this alteration is predicted to be tolerated by in silico analysis. Based on the available evidence, the clinical significance of this variant remains unclear.